The following is an entry in ClinVar:

ClinVar aggregate classification (germline): Uncertain significance (1 of 4 stars; one submission).

gnomAD v4.1: 49 of 1,610,924 alleles (0.003%); highest among the groups gnomAD compares: Non-Finnish European, 0.004%; no homozygotes.

Submission:

Labcorp Genetics (formerly Invitae), Labcorp
Classification: Uncertain significance. Last evaluated: 2024-11-29. Review status: criteria provided, single submitter. Criteria: Invitae Variant Classification Sherloc (09022015). Collection method: clinical testing. Allele origin: germline.
Comment: This sequence change replaces threonine, which is neutral and polar, with serine, which is neutral and polar, at codon 327 of the KLF1 protein (p.Thr327Ser). This variant is present in population databases (rs778995946, gnomAD 0.004%). This missense change has been observed in individual(s) with KLF1-related conditions (PMID: 21821711). Invitae Evidence Modeling of protein sequence and biophysical properties (such as structural, functional, and spatial information, amino acid conservation, physicochemical variation, residue mobility, and thermodynamic stability) indicates that this missense variant is expected to disrupt KLF1 protein function with a positive predictive value of 80%. In summary, the available evidence is currently insufficient to determine the role of this variant in disease. Therefore, it has been classified as a Variant of Uncertain Significance.

Literature cited by the submitters: PubMed 21821711.

NM_006563.5(KLF1):c.980C>G (p.Thr327Ser)

Genes: KLF1 (KLF transcription factor 1; minus strand), LOC117125591 (CRISPRi-FlowFISH-validated PRDX2 and RAD23A regulatory element; plus strand). Cytogenetic location: 19p13.13.
Variant type: single nucleotide variant.
Coding change: c.980C>G on transcript NM_006563.5 (MANE Select); coding-DNA position 980, C replaced by G.
Protein change: p.Thr327Ser; replaces threonine 327 with serine.
Molecular consequence: missense variant.
Genome position (GRCh38, 1-based): chr19:12,884,994, G>C on the plus strand (C>G on the coding strand, the complement: KLF1 is on the minus strand). VCF-style: chr19-12884994-G-C. GRCh37 (hg19) VCF-style: chr19-12995808-G-C.
Other names: short protein forms T327S.
Identifiers: ClinVar variation 3631415 (VCV003631415.2).